The following is an entry in ClinVar:

ClinVar aggregate classification (germline): Uncertain significance. Review status: criteria provided, multiple submitters, no conflicts (2 of 4 stars). 2 submissions from 2 submitters: Uncertain significance (2). Last evaluated 2025-07-02.

Conditions:
Cardiomyopathy (CMYO). Also called: Cardiomyopathies. Identifiers: Orphanet 167848, MedGen C0878544, MONDO:0004994, HP:0001638. Inheritance: Various modes of inheritance.
Catecholaminergic polymorphic ventricular tachycardia 1. Also called: RYR2-Related Catecholaminergic Polymorphic Ventricular Tachycardia; VENTRICULAR TACHYCARDIA, CATECHOLAMINERGIC POLYMORPHIC, 1, WITH OR WITHOUT ATRIAL DYSFUNCTION AND/OR DILATED CARDIOMYOPATHY; VENTRICULAR TACHYCARDIA, STRESS-INDUCED POLYMORPHIC 1. Identifiers: Orphanet 3286, MedGen C1631597, MONDO:0011484, OMIM 604772.

Submissions (2):

Color Diagnostics, LLC DBA Color Health
Classification: Uncertain significance for Cardiomyopathy. Last evaluated: 2025-07-02. Review status: criteria provided, single submitter. Criteria: ACMG Guidelines, 2015. Collection method: clinical testing. Allele origin: germline.
Comment: This missense variant replaces lysine with asparagine at codon 2264 of the RYR2 protein. This variant occurs in a region of the RYR2 protein that is considered to be a hotspot for pathogenic variants that contribute to catecholaminergic polymorphic ventricular tachycardia susceptibility (PMID: 29453246, 30696458). Computational prediction suggests that this variant may have a deleterious impact on protein structure and function. To our knowledge, functional studies have not been reported for this variant. This variant has been reported in an individual affected with dilated cardiomyopathy (PMID: 35470680). This variant has not been identified in the general population by the Genome Aggregation Database (gnomAD). The available evidence is insufficient to determine the role of this variant in disease conclusively. Therefore, this variant is classified as a Variant of Uncertain Significance.

Labcorp Genetics (formerly Invitae), Labcorp
Classification: Uncertain significance for Catecholaminergic polymorphic ventricular tachycardia 1. Last evaluated: 2020-12-01. Review status: criteria provided, single submitter. Criteria: Invitae Variant Classification Sherloc (09022015). Collection method: clinical testing. Allele origin: germline.
Comment: This variant has not been reported in the literature in individuals with RYR2-related conditions. Algorithms developed to predict the effect of missense changes on protein structure and function (SIFT, PolyPhen-2, Align-GVGD) all suggest that this variant is likely to be disruptive, but these predictions have not been confirmed by published functional studies and their clinical significance is uncertain. This variant is not present in population databases (ExAC no frequency). This sequence change replaces lysine with asparagine at codon 2264 of the RYR2 protein (p.Lys2264Asn). The lysine residue is highly conserved and there is a moderate physicochemical difference between lysine and asparagine. In summary, the available evidence is currently insufficient to determine the role of this variant in disease. Therefore, it has been classified as a Variant of Uncertain Significance. Algorithms developed to predict the effect of sequence changes on RNA splicing suggest that this variant may disrupt the consensus splice site, but this prediction has not been confirmed by published transcriptional studies.

Literature cited by the submitters: PubMed 29453246 (cited by Color Diagnostics, LLC DBA Color Health); PubMed 30696458 (cited by Color Diagnostics, LLC DBA Color Health); PubMed 35470680 (cited by Color Diagnostics, LLC DBA Color Health).

NM_001035.3(RYR2):c.6792G>T (p.Lys2264Asn)

Gene: RYR2 (ryanodine receptor 2; plus strand). Cytogenetic location: 1q43.
Variant type: single nucleotide variant.
Coding change: c.6792G>T on transcript NM_001035.3 (MANE Select); coding-DNA position 6792, G replaced by T.
Protein change: p.Lys2264Asn; replaces lysine 2264 with asparagine.
Molecular consequence: missense variant.
Genome position (GRCh38, 1-based): chr1:237,634,992, G>T. VCF-style: chr1-237634992-G-T. GRCh37 (hg19) VCF-style: chr1-237798292-G-T.
Other names: short protein forms K2264N.
Identifiers: ClinVar variation 1380841 (VCV001380841.9), dbSNP rs1680728738, ClinGen allele CA345394961.
Genomic context (GRCh38, chr1:237,634,992, plus strand): 5'-AGCTTCGGTGATGGATAATAATGAACTAGCATTAGCTCTGCGTGAGCCGGATCTAGAAAA[G>T]GTGAGCAATGTTCCTGCCCTGTGTGTTTGTCTGAATTATGCTTTTTCACGGTTTTCTCAA-3'
Protein context (NP_001026.2, residues 2254-2274): ALALREPDLE[Lys2264Asn]VVRYLAGCGL